The following is an entry in ClinVar:

ClinVar aggregate classification (germline): Conflicting classifications of pathogenicity. Review status: criteria provided, conflicting classifications (1 of 4 stars). 8 submissions from 8 submitters: Uncertain significance (4); Likely benign (3). 1 of the submissions does not count toward it. Last evaluated 2026-03-20.

Conditions:
MET-related disorder. Also called: MET-related condition.
Autosomal recessive nonsyndromic hearing loss 97. Also called: Deafness, autosomal recessive 97. Identifiers: Orphanet 90636, MedGen C4084709, MONDO:0014739, OMIM 616705.
Osteofibrous dysplasia (OSFD). Also called: Tibia, bowing of, with pseudarthrosis and pectus excavatum. Identifiers: Orphanet 488265, MedGen C4085248, MONDO:0011806, OMIM 607278.
Papillary renal cell carcinoma type 1 (RCCP1). Also called: Renal adenocarcinoma; Renal cell carcinoma 1; Renal cell carcinoma, somatic; RENAL CELL CARCINOMA, PAPILLARY, 1, SOMATIC. Identifiers: Orphanet 47044, MedGen C1336839, OMIM 605074, HP:0011797.
Hepatocellular carcinoma (HCC). Also called: Primary carcinoma of liver; HEPATOMA; LIVER CELL CARCINOMA. Identifiers: Orphanet 88673, MedGen C2239176, MONDO:0007256, OMIM 114550, HP:0001402.
Hereditary cancer-predisposing syndrome. Also called: Tumor predisposition; Hereditary Cancer Syndrome; Hereditary neoplastic syndrome; Neoplastic Syndromes, Hereditary. Identifiers: Orphanet 140162, MedGen C0027672, MeSH D009386, MONDO:0015356.
Renal cell carcinoma. Identifiers: Orphanet 217071, MedGen C0007134, MeSH D002292, MONDO:0005086, HP:0005584.

Allele frequency attached by ClinVar (database versions not stated): ESP Exome Variant Server 0.00025; 1000 Genomes Project 30x 0.00031; 1000 Genomes Project 0.00040; gnomAD exomes 0.00002 and 0.00006; ExAC 0.00005; gnomAD 0.00011; TOPMed 0.00016.
gnomAD v4.1: 44 of 1,613,542 alleles (0.0027%); highest among the groups gnomAD compares: African/African-American, 0.029%; no homozygotes.

Submissions (8):

Women's Health and Genetics/Laboratory Corporation of America, LabCorp
Classification: Likely benign. Last evaluated: 2026-03-20. Review status: criteria provided, single submitter. Criteria: LabCorp Variant Classification Summary - May 2015. Collection method: clinical testing. Allele origin: germline.
Comment: Variant summary: MET c.2738C>T (p.Thr913Met) results in a non-conservative amino acid change in the encoded protein sequence. Algorithms developed to predict the effect of missense changes on protein structure and function all suggest that this variant is likely to be disruptive. The variant allele was found at a frequency of 5.6e-05 in 249146 control chromosomes. The observed variant frequency exceeds the estimated maximal expected allele frequency for disease-causing variants in MET. To our knowledge, no occurrence of c.2738C>T in individuals affected with MET-related conditions and no experimental evidence demonstrating its impact on protein function have been reported. ClinVar contains an entry for this variant (Variation ID: 454219). Based on the evidence outlined above, the variant was classified as likely benign.

Labcorp Genetics (formerly Invitae), Labcorp
Classification: Likely benign for Renal cell carcinoma. Last evaluated: 2026-01-06. Review status: criteria provided, single submitter. Criteria: Invitae Variant Classification Sherloc (09022015). Collection method: clinical testing. Allele origin: germline.

Quest Diagnostics Nichols Institute San Juan Capistrano
Classification: Uncertain significance. Last evaluated: 2025-06-25. Review status: criteria provided, single submitter. Criteria: Quest Diagnostics criteria. Collection method: clinical testing. Allele origin: unknown.

GeneDx
Classification: Uncertain significance. Last evaluated: 2024-02-11. Review status: criteria provided, single submitter. Criteria: GeneDx Variant Classification Process June 2021. Collection method: clinical testing. Allele origin: germline. Affected: yes.
Comment: In silico analysis supports that this missense variant has a deleterious effect on protein structure/function; Has not been previously published as pathogenic or benign to our knowledge

St. Jude Molecular Pathology, St. Jude Children's Research Hospital
Classification: Uncertain significance for Papillary renal cell carcinoma type 1. Last evaluated: 2023-10-16. Review status: criteria provided, single submitter. Criteria: St. Jude Assertion Criteria 2020. Collection method: clinical testing. Allele origin: germline.
Comment: The MET c.2738C>T (p.Thr913Met) missense change has a maximum subpopulation frequency of 0.041% in gnomAD v2.1.1. The in silico tool REVEL is inconclusive about a pathogenic or benign effect of this variant on protein function, and to our knowledge functional studies have not been performed. To our knowledge, this variant has not been reported in individuals with hereditary papillary renal cell carcinoma. In summary, the evidence currently available is insufficient to determine the clinical significance of this variant. It has therefore been classified as of uncertain significance.

Ambry Genetics
Classification: Likely benign for Hereditary cancer-predisposing syndrome. Last evaluated: 2022-01-25. Review status: criteria provided, single submitter. Criteria: Ambry Variant Classification Scheme 2023. Collection method: clinical testing. Allele origin: germline.

Fulgent Genetics
Classification: Uncertain significance for Hepatocellular carcinoma; Papillary renal cell carcinoma type 1; Osteofibrous dysplasia; Autosomal recessive nonsyndromic hearing loss 97. Last evaluated: 2021-12-08. Review status: criteria provided, single submitter. Criteria: ACMG Guidelines, 2015. Collection method: clinical testing. Allele origin: unknown.

PreventionGenetics, part of Exact Sciences
Classification: Uncertain significance for MET-related condition. Last evaluated: 2024-08-14. Review status: no assertion criteria provided. Collection method: clinical testing. Allele origin: germline. Not counted in ClinVar's aggregate classification.
Comment: The MET c.2738C>T variant is predicted to result in the amino acid substitution p.Thr913Met. This variant is reported as c.2684C>T (p.Thr895Met) on an alternate transcript (NM_000245). To our knowledge, this variant has not been reported in the literature. This variant is reported in 0.041% of alleles in individuals of African descent in gnomAD and has been interpreted as uncertain and likely benign in ClinVar. At this time, the clinical significance of this variant is uncertain due to the absence of conclusive functional and genetic evidence.

NM_000245.4(MET):c.2684C>T (p.Thr895Met)

Gene: MET (MET proto-oncogene, receptor tyrosine kinase; plus strand). Cytogenetic location: 7q31.2.
Variant type: single nucleotide variant.
Coding change: c.2684C>T on transcript NM_000245.4 (MANE Select); coding-DNA position 2684, C replaced by T.
Protein change: p.Thr895Met; replaces threonine 895 with methionine.
Molecular consequence: missense variant.
Genome position (GRCh38, 1-based): chr7:116,769,745, C>T. VCF-style: chr7-116769745-C-T. GRCh37 (hg19) VCF-style: chr7-116409799-C-T.
Other names: c.2738C>T (NM_001127500.2); c.2738C>T, p.Thr913Met (NM_001127500.3); c.2684C>T, p.Thr895Met (NM_001324401.3); c.1394C>T, p.Thr465Met (NM_001324402.2); short protein forms T913M, T895M, T465M.
Identifiers: ClinVar variation 454219 (VCV000454219.27), dbSNP rs199502137, ClinGen allele CA4448549.